The following is an entry in ClinVar:

ClinVar aggregate classification (germline): Conflicting classifications of pathogenicity. Review status: criteria provided, conflicting classifications (1 of 4 stars). 4 submissions from 4 submitters: Uncertain significance (3); Likely benign (1). Last evaluated 2026-01-20.

Allele frequency attached by ClinVar (database versions not stated): TOPMed 0.00010; gnomAD 0.00013; gnomAD exomes 0.00016; 1000 Genomes Project 0.00020; ExAC 0.00023; 1000 Genomes Project 30x 0.00031.
gnomAD v4.1: 316 of 1,613,630 alleles (0.02%); highest among the groups gnomAD compares: South Asian, 0.16%; 3 homozygotes.

Submissions (4):

Labcorp Genetics (formerly Invitae), Labcorp
Classification: Uncertain significance. Last evaluated: 2026-01-20. Review status: criteria provided, single submitter. Criteria: Invitae Variant Classification Sherloc (09022015). Collection method: clinical testing. Allele origin: germline.
Comment: This sequence change replaces phenylalanine, which is neutral and non-polar, with tyrosine, which is neutral and polar, at codon 1083 of the FUK protein (p.Phe1083Tyr). This variant is present in population databases (rs180673806, gnomAD 0.1%), and has an allele count higher than expected for a pathogenic variant. This variant has not been reported in the literature in individuals affected with FUK-related conditions. ClinVar contains an entry for this variant (Variation ID: 2077235). An algorithm developed to predict the effect of missense changes on protein structure and function (PolyPhen-2) suggests that this variant is likely to be tolerated. In summary, the available evidence is currently insufficient to determine the role of this variant in disease. Therefore, it has been classified as a Variant of Uncertain Significance.

Ambry Genetics
Classification: Uncertain significance. Last evaluated: 2025-09-11. Review status: criteria provided, single submitter. Criteria: Ambry Variant Classification Scheme 2023. Collection method: clinical testing. Allele origin: germline.

CeGaT Center for Human Genetics Tuebingen
Classification: Likely benign. Last evaluated: 2025-09-01. Review status: criteria provided, single submitter. Criteria: CeGaT Center For Human Genetics Tuebingen Variant Classification Criteria Version 2. Collection method: clinical testing. Allele origin: germline. Affected: yes. Observed: 1 variant allele.
Comment: FCSK: BP4

Blueprint Genetics
Classification: Uncertain significance. Last evaluated: 2024-11-11. Review status: criteria provided, single submitter. Criteria: ACMG Guidelines, 2015. Collection method: clinical testing. Allele origin: germline.

NM_145059.3(FCSK):c.3248T>A (p.Phe1083Tyr)

Gene: FCSK (fucose kinase; plus strand). Cytogenetic location: 16q22.1.
Variant type: single nucleotide variant.
Coding change: c.3248T>A on transcript NM_145059.3 (MANE Select); coding-DNA position 3248, T replaced by A.
Protein change: p.Phe1083Tyr; replaces phenylalanine 1083 with tyrosine.
Molecular consequence: missense variant.
Genome position (GRCh38, 1-based): chr16:70,479,673, T>A. VCF-style: chr16-70479673-T-A. GRCh37 (hg19) VCF-style: chr16-70513576-T-A.
Other names: c.3248T>A (NM_145059.2); short protein forms F1083Y.
Identifiers: ClinVar variation 2077235 (VCV002077235.14), dbSNP rs180673806, ClinGen allele CA8143926.
Genomic context (GRCh38, chr16:70,479,673, plus strand): 5'-TGGACACTCAGGGCCTGAGCCTGAAGCTGCTGGGGACCGAGGCCTCAACCTGTTGCCCTT[T>A]CCCATGAAGCTGGCTTCTCTCTGCAACAGGAGAAAACCTGGAGCTACAGTGTCCCCCACC-3'
Protein context (NP_659496.2, residues 1073-1084): LGTEASTCCP[Phe1083Tyr]P